The following is an entry in ClinVar:

ClinVar aggregate classification (germline): Uncertain significance (1 of 4 stars; one submission).

Allele frequency attached by ClinVar (database versions not stated): TOPMed 0.00001.

Submission:

Labcorp Genetics (formerly Invitae), Labcorp
Classification: Uncertain significance. Last evaluated: 2021-09-18. Review status: criteria provided, single submitter. Criteria: Invitae Variant Classification Sherloc (09022015). Collection method: clinical testing. Allele origin: germline.
Comment: This sequence change replaces leucine with valine at codon 88 of the MMP13 protein (p.Leu88Val). The leucine residue is moderately conserved and there is a small physicochemical difference between leucine and valine. This variant is not present in population databases (ExAC no frequency). This variant has not been reported in the literature in individuals affected with MMP13-related conditions. Algorithms developed to predict the effect of missense changes on protein structure and function are either unavailable or do not agree on the potential impact of this missense change (SIFT: "Deleterious"; PolyPhen-2: "Possibly Damaging"; Align-GVGD: "Class C0"). In summary, the available evidence is currently insufficient to determine the role of this variant in disease. Therefore, it has been classified as a Variant of Uncertain Significance.

NM_002427.4(MMP13):c.262T>G (p.Leu88Val)

Genes: MMP13 (matrix metallopeptidase 13; minus strand), LOC126861318 (BRD4-independent group 4 enhancer GRCh37_chr11:102825894-102827093; plus strand). Cytogenetic location: 11q22.2.
Variant type: single nucleotide variant.
Coding change: c.262T>G on transcript NM_002427.4 (MANE Select); coding-DNA position 262, T replaced by G.
Protein change: p.Leu88Val; replaces leucine 88 with valine.
Molecular consequence: missense variant.
Genome position (GRCh38, 1-based): chr11:102,955,352, A>C on the plus strand (T>G on the coding strand, the complement: MMP13 is on the minus strand). VCF-style: chr11-102955352-A-C. GRCh37 (hg19) VCF-style: chr11-102826081-A-C.
Other names: short protein forms L88V.
Identifiers: ClinVar variation 1523936 (VCV001523936.6), dbSNP rs1222082112, ClinGen allele CA382232544.
Genomic context (GRCh38, chr11:102,955,352, plus strand): 5'-GGAAAACATTGTATTCACCCACATCAGGAACCCCGCATCTTGGCTTTTTCATGACATCTA[A>C]GGTGTTATCGTCAAGTTTGCCAGTCACCTCTAAGCCGAAGAAAGACTGCATTTCTCGGAG-3'
Protein context (NP_002418.1, residues 78-98): EVTGKLDDNT[Leu88Val]DVMKKPRCGV